The following is an entry in ClinVar:

ClinVar aggregate classification (germline): Uncertain significance (1 of 4 stars; one submission).

Conditions:
Combined oxidative phosphorylation defect type 17. Also called: Combined oxidative phosphorylation deficiency 17. Identifiers: Orphanet 369913, MedGen C3809526, MONDO:0014190, OMIM 615440.

Submission:

Labcorp Genetics (formerly Invitae), Labcorp
Classification: Uncertain significance for Combined oxidative phosphorylation defect type 17. Last evaluated: 2023-03-30. Review status: criteria provided, single submitter. Criteria: Invitae Variant Classification Sherloc (09022015). Collection method: clinical testing. Allele origin: germline.
Comment: This sequence change replaces leucine, which is neutral and non-polar, with arginine, which is basic and polar, at codon 689 of the ELAC2 protein (p.Leu689Arg). This variant is not present in population databases (gnomAD no frequency). In summary, the available evidence is currently insufficient to determine the role of this variant in disease. Therefore, it has been classified as a Variant of Uncertain Significance. Advanced modeling of protein sequence and biophysical properties (such as structural, functional, and spatial information, amino acid conservation, physicochemical variation, residue mobility, and thermodynamic stability) performed at Invitae indicates that this missense variant is expected to disrupt ELAC2 protein function. ClinVar contains an entry for this variant (Variation ID: 1007944). This variant has not been reported in the literature in individuals affected with ELAC2-related conditions.

NM_018127.7(ELAC2):c.2066T>G (p.Leu689Arg)

Gene: ELAC2 (elaC ribonuclease Z 2; minus strand). Cytogenetic location: 17p12.
Variant type: single nucleotide variant.
Coding change: c.2066T>G on transcript NM_018127.7 (MANE Select); coding-DNA position 2066, T replaced by G.
Protein change: p.Leu689Arg; replaces leucine 689 with arginine.
Molecular consequence: missense variant.
Genome position (GRCh38, 1-based): chr17:12,994,467, A>C on the plus strand (T>G on the coding strand, the complement: ELAC2 is on the minus strand). VCF-style: chr17-12994467-A-C. GRCh37 (hg19) VCF-style: chr17-12897784-A-C.
Other names: c.1946T>G, p.Leu649Arg (NM_001165962.2); c.2063T>G, p.Leu688Arg (NM_173717.2); short protein forms L649R, L688R, L689R.
Identifiers: ClinVar variation 1007944 (VCV001007944.3), dbSNP rs2040364723, ClinGen allele CA398222901.
Genomic context (GRCh38, chr17:12,994,467, plus strand): 5'-CTGACCGGCCTTTGCTACCTGTGTGTCTTTTCCACTGCTTCCTCTTCCAAACCATCTTCC[A>C]GGGTGGCTTCATGTATCAGGAGGGTGGCATCTTTCCCTGGAGAAGCAGCACAAGGATCAG-3'
Protein context (NP_060597.4, residues 679-699): DATLLIHEAT[Leu689Arg]EDGLEEEAVE